The following is an entry in ClinVar:

NM_003001.5(SDHC):c.172A>C (p.Ile58Leu)

Gene: SDHC (succinate dehydrogenase complex subunit C; plus strand). Cytogenetic location: 1q23.3.
Variant type: single nucleotide variant.
Coding change: c.172A>C on transcript NM_003001.5 (MANE Select); coding-DNA position 172, A replaced by C.
Protein change: p.Ile58Leu; replaces isoleucine 58 with leucine.
Molecular consequence: missense variant. On other transcripts: non-coding transcript variant (1), intron variant (4).
Genome position (GRCh38, 1-based): chr1:161,328,490, A>C. VCF-style: chr1-161328490-A-C. GRCh37 (hg19) VCF-style: chr1-161298280-A-C.
Other names: c.172A>C, p.Ile58Leu (NM_001035511.3, NM_001407115.1); c.115A>C, p.Ile39Leu (NM_001407116.1, NM_001407117.1, NM_001407121.1); c.61A>C, p.Ile21Leu (NM_001407119.1, NM_001407120.1); c.77+4820A>C (NM_001035512.3, NM_001278172.3, NM_001407118.1); c.21-12104A>C (NM_001035513.3); short protein forms I21L, I39L, I58L.
Identifiers: ClinVar variation 3223025 (VCV003223025.2), dbSNP rs2526365545, ClinGen allele CA343361342.

ClinVar aggregate classification (germline): Uncertain significance (1 of 4 stars; one submission).

Conditions:
Hereditary cancer-predisposing syndrome. Also called: Neoplastic Syndromes, Hereditary; Tumor predisposition; Hereditary Cancer Syndrome; Hereditary neoplastic syndrome. Identifiers: Orphanet 140162, MedGen C0027672, MeSH D009386, MONDO:0015356.

Submission:

Ambry Genetics
Classification: Uncertain significance for Hereditary cancer-predisposing syndrome. Last evaluated: 2026-08-17. Review status: criteria provided, single submitter. Criteria: Ambry Variant Classification Scheme 2023. Collection method: clinical testing. Allele origin: germline.
Comment: The p.I58L variant (also known as c.172A>C), located in coding exon 3 of the SDHC gene, results from an A to C substitution at nucleotide position 172. The isoleucine at codon 58 is replaced by leucine, an amino acid with highly similar properties. This amino acid position is highly conserved in available vertebrate species. In addition, this alteration is predicted to be deleterious by in silico analysis. Based on the available evidence, the clinical significance of this variant remains unclear.